The following is an entry in ClinVar:

ClinVar aggregate classification (germline): Uncertain significance. Review status: criteria provided, multiple submitters, no conflicts (2 of 4 stars). 4 submissions from 4 submitters: Uncertain significance (4). Last evaluated 2025-09-16.

Conditions:
Cardiovascular phenotype. Identifiers: MedGen CN230736.
Cardiomyopathy (CMYO). Also called: Cardiomyopathies. Identifiers: Orphanet 167848, MedGen C0878544, MONDO:0004994, HP:0001638. Inheritance: Various modes of inheritance.
Hypertrophic cardiomyopathy. Also called: HYPERTROPHIC MYOCARDIOPATHY. Identifiers: Orphanet 217569, MedGen C0007194, MeSH D002312, MONDO:0005045, HP:0001639.

Allele frequency attached by ClinVar (database versions not stated): TOPMed 0.00002.
gnomAD v4.1: 2 of 1,614,144 alleles (0.00012%); highest among the groups gnomAD compares: Non-Finnish European, 0.00017%; no homozygotes.

Submissions (4):

Ambry Genetics
Classification: Uncertain significance for Cardiovascular phenotype. Last evaluated: 2025-09-16. Review status: criteria provided, single submitter. Criteria: Ambry Variant Classification Scheme 2023. Collection method: clinical testing. Allele origin: germline.
Comment: The c.586G>T (p.D196Y) alteration is located in exon 8 (coding exon 8) of the TNNI3 gene. This alteration results from a G to T substitution at nucleotide position 586, causing the aspartic acid (D) at amino acid position 196 to be replaced by a tyrosine (Y). This variant was not reported in population-based cohorts in the Genome Aggregation Database (gnomAD). Other variant(s) at the same codon, c.586G>A p.(D196N), have been identified in individual(s) with features consistent with hypertrophic cardiomyopathy (Richard, 2003; Niimura, 2002; Mogensen, 2004). This amino acid position is not well conserved in available vertebrate species. This alteration is predicted to be deleterious by in silico analysis. Based on insufficient or conflicting evidence, the clinical significance of this alteration remains unclear.

Labcorp Genetics (formerly Invitae), Labcorp
Classification: Uncertain significance for Hypertrophic cardiomyopathy. Last evaluated: 2023-07-07. Review status: criteria provided, single submitter. Criteria: Invitae Variant Classification Sherloc (09022015). Collection method: clinical testing. Allele origin: germline.
Comment: This sequence change replaces aspartic acid, which is acidic and polar, with tyrosine, which is neutral and polar, at codon 196 of the TNNI3 protein (p.Asp196Tyr). This variant is not present in population databases (gnomAD no frequency). In summary, the available evidence is currently insufficient to determine the role of this variant in disease. Therefore, it has been classified as a Variant of Uncertain Significance. This variant disrupts the p.Asp196 amino acid residue in TNNI3. Other variant(s) that disrupt this residue have been determined to be pathogenic (PMID: 11815426, 12707239, 15607392, 26914223). This suggests that this residue is clinically significant, and that variants that disrupt this residue are likely to be disease-causing. An algorithm developed to predict the effect of missense changes on protein structure and function (PolyPhen-2) suggests that this variant is likely to be disruptive. ClinVar contains an entry for this variant (Variation ID: 179492). This variant has not been reported in the literature in individuals affected with TNNI3-related conditions.

CHEO Genetics Diagnostic Laboratory, Children's Hospital of Eastern Ontario
Classification: Uncertain significance for Cardiomyopathy. Last evaluated: 2022-01-24. Review status: criteria provided, single submitter. Criteria: ACMG Guidelines, 2015. Collection method: clinical testing. Allele origin: germline. Study: Canadian Open Genetics Repository.

Laboratory for Molecular Medicine, Mass General Brigham Personalized Medicine
Classification: Uncertain significance. Last evaluated: 2019-03-08. Review status: criteria provided, single submitter. Criteria: LMM Criteria. Collection method: clinical testing. Allele origin: germline. Observed: 3 variant alleles.
Comment: proposed classification - variant undergoing re-assessment, contact laboratory

Literature cited by the submitters: PubMed 11815426 (cited by Ambry Genetics and Labcorp Genetics (formerly Invitae), Labcorp); PubMed 12707239 (cited by Ambry Genetics and Labcorp Genetics (formerly Invitae), Labcorp); PubMed 15607392 (cited by Ambry Genetics and Labcorp Genetics (formerly Invitae), Labcorp); PubMed 26914223 (cited by Labcorp Genetics (formerly Invitae), Labcorp).

NM_000363.5(TNNI3):c.586G>T (p.Asp196Tyr)

Gene: TNNI3 (troponin I3, cardiac type; minus strand). Cytogenetic location: 19q13.42.
Variant type: single nucleotide variant.
Coding change: c.586G>T on transcript NM_000363.5 (MANE Select); coding-DNA position 586, G replaced by T.
Protein change: p.Asp196Tyr; replaces aspartic acid 196 with tyrosine.
Molecular consequence: missense variant.
Genome position (GRCh38, 1-based): chr19:55,151,881, C>A on the plus strand (G>T on the coding strand, the complement: TNNI3 is on the minus strand). VCF-style: chr19-55151881-C-A. GRCh37 (hg19) VCF-style: chr19-55663249-C-A.
Other names: short protein forms D196Y.
Identifiers: ClinVar variation 179492 (VCV000179492.18), dbSNP rs104894727, ClinGen allele CA022012.